The following is an entry in ClinVar:

ClinVar aggregate classification (germline): Uncertain significance (1 of 4 stars; one submission).

Conditions:
Inborn genetic diseases. Identifiers: MedGen C0950123, MeSH D030342.

Submission:

Ambry Genetics
Classification: Uncertain significance for Inborn genetic diseases. Last evaluated: 2025-10-01. Review status: criteria provided, single submitter. Criteria: Ambry Variant Classification Scheme 2023. Collection method: clinical testing. Allele origin: germline.
Comment: The p.P159L variant (also known as c.476C>T), located in coding exon 2 of the KDM1A gene, results from a C to T substitution at nucleotide position 476. The proline at codon 159 is replaced by leucine, an amino acid with similar properties. This amino acid position is conserved. In addition, this alteration is predicted to be tolerated by in silico analysis. Based on the available evidence, the clinical significance of this variant remains unclear.

NM_001009999.3(KDM1A):c.476C>T (p.Pro159Leu)

Gene: KDM1A (lysine demethylase 1A; plus strand). Cytogenetic location: 1p36.12.
Variant type: single nucleotide variant.
Coding change: c.476C>T on transcript NM_001009999.3 (MANE Select); coding-DNA position 476, C replaced by T.
Protein change: p.Pro159Leu; replaces proline 159 with leucine.
Molecular consequence: missense variant.
Genome position (GRCh38, 1-based): chr1:23,030,593, C>T. VCF-style: chr1-23030593-C-T. GRCh37 (hg19) VCF-style: chr1-23357086-C-T.
Other names: c.476C>T, p.Pro159Leu (NM_001363654.2, NM_001410762.1, NM_001410763.1 and 1 more transcripts); short protein forms P159L.
Identifiers: ClinVar variation 4622657 (VCV004622657.1).